The following is an entry in ClinVar:

NM_001367624.2(ZNF469):c.7575G>T (p.Pro2525=)

Gene: ZNF469 (zinc finger protein 469; plus strand). Cytogenetic location: 16q24.2.
Variant type: single nucleotide variant.
Coding change: c.7575G>T on transcript NM_001367624.2 (MANE Select); coding-DNA position 7575, G replaced by T.
Protein change: p.Pro2525=; no amino-acid change (proline 2525 retained).
Molecular consequence: synonymous variant.
Genome position (GRCh38, 1-based): chr16:88,435,045, G>T. VCF-style: chr16-88435045-G-T. GRCh37 (hg19) VCF-style: chr16-88501453-G-T.
Other names: NM_001127464.1:c.7491G>T.
Identifiers: ClinVar variation 1759163 (VCV001759163.9), dbSNP rs535400159, ClinGen allele CA286382937.

ClinVar aggregate classification (germline): Benign/Likely benign. Review status: criteria provided, multiple submitters, no conflicts (2 of 4 stars). 4 submissions from 4 submitters: Benign (1); Likely benign (3). Last evaluated 2026-08-01.

Conditions:
Cardiovascular phenotype. Identifiers: MedGen CN230736.

Allele frequency attached by ClinVar (database versions not stated): 1000 Genomes Project 30x 0.00016; 1000 Genomes Project 0.00020.
gnomAD v4.1: 64 of 1,550,376 alleles (0.0041%); highest among the groups gnomAD compares: East Asian, 0.14%; no homozygotes.

Submissions (4):

CeGaT Center for Human Genetics Tuebingen
Classification: Likely benign. Last evaluated: 2026-08-01. Review status: criteria provided, single submitter. Criteria: CeGaT Center For Human Genetics Tuebingen Variant Classification Criteria Version 2. Collection method: clinical testing. Allele origin: germline. Affected: yes. Observed: 1 variant allele.
Comment: ZNF469: BP4, BP7

Labcorp Genetics (formerly Invitae), Labcorp
Classification: Benign. Last evaluated: 2026-01-17. Review status: criteria provided, single submitter. Criteria: Invitae Variant Classification Sherloc (09022015). Collection method: clinical testing. Allele origin: germline.

Blueprint Genetics
Classification: Likely benign. Last evaluated: 2024-08-22. Review status: criteria provided, single submitter. Criteria: ACMG Guidelines, 2015. Collection method: clinical testing. Allele origin: germline.

Ambry Genetics
Classification: Likely benign for Cardiovascular phenotype. Last evaluated: 2021-02-08. Review status: criteria provided, single submitter. Criteria: Ambry Variant Classification Scheme 2023. Collection method: clinical testing. Allele origin: germline.